The following is an entry in ClinVar:

NM_058216.3(RAD51C):c.343G>C (p.Val115Leu)

Gene: RAD51C (RAD51 paralog C; plus strand). Cytogenetic location: 17q22.
Variant type: single nucleotide variant.
Coding change: c.343G>C on transcript NM_058216.3 (MANE Select); coding-DNA position 343, G replaced by C.
Protein change: p.Val115Leu; replaces valine 115 with leucine.
Molecular consequence: missense variant. On other transcripts: non-coding transcript variant (2).
Genome position (GRCh38, 1-based): chr17:58,695,128, G>C. VCF-style: chr17-58695128-G-C. GRCh37 (hg19) VCF-style: chr17-56772489-G-C.
Other names: c.343G>C, p.Val115Leu (NM_058217.1, NM_002876.4); short protein forms V115L.
Identifiers: ClinVar variation 1719904 (VCV001719904.5), dbSNP rs1202473484, ClinGen allele CA400341450.

ClinVar aggregate classification (germline): Uncertain significance (1 of 4 stars; one submission).

Conditions:
Fanconi anemia complementation group O. Also called: RAD51C-Related Fanconi Anemia. Identifiers: Orphanet 84, MedGen C3150653, MONDO:0013248, OMIM 613390.

Submission:

Labcorp Genetics (formerly Invitae), Labcorp
Classification: Uncertain significance for Fanconi anemia complementation group O. Last evaluated: 2022-09-20. Review status: criteria provided, single submitter. Criteria: Invitae Variant Classification Sherloc (09022015). Collection method: clinical testing. Allele origin: germline.
Comment: This sequence change replaces valine, which is neutral and non-polar, with leucine, which is neutral and non-polar, at codon 115 of the RAD51C protein (p.Val115Leu). In summary, the available evidence is currently insufficient to determine the role of this variant in disease. Therefore, it has been classified as a Variant of Uncertain Significance. Advanced modeling of protein sequence and biophysical properties (such as structural, functional, and spatial information, amino acid conservation, physicochemical variation, residue mobility, and thermodynamic stability) performed at Invitae indicates that this missense variant is not expected to disrupt RAD51C protein function. This variant has not been reported in the literature in individuals affected with RAD51C-related conditions. This variant is not present in population databases (gnomAD no frequency).